The following is an entry in ClinVar:

ClinVar aggregate classification (germline): Benign/Likely benign. Review status: criteria provided, multiple submitters, no conflicts (2 of 4 stars). 7 submissions from 7 submitters: Benign (1); Likely benign (6). Last evaluated 2026-02-01.

Conditions:
Epidermolysis bullosa simplex, Ogna type (EBS5A). Also called: Pidermolysis bullosa simplex 5A, Ogna type; EPIDERMOLYSIS BULLOSA SIMPLEX 5A, OGNA TYPE. Identifiers: Orphanet 79401, MedGen C0432317, MONDO:0007555, OMIM 131950.
Epidermolysis bullosa simplex 5C, with pyloric atresia (EBS5C). Also called: PLEC-Related Epidermolysis Bullosa with Pyloric Atresia; Epidermolysis bullosa simplex with pyloric atresia; PLEC1-Related Epidermolysis Bullosa with Pyloric Atresia. Identifiers: Orphanet 158684, MedGen C2677349, MONDO:0012807, OMIM 612138.
Autosomal recessive limb-girdle muscular dystrophy type 2Q (LGMDR17). Also called: MUSCULAR DYSTROPHY, LIMB-GIRDLE, AUTOSOMAL RECESSIVE 17. Identifiers: Orphanet 254361, MedGen C3150989, MONDO:0013390, OMIM 613723.
Epidermolysis bullosa simplex with nail dystrophy (EBS5D). Identifiers: MedGen C4225309, MONDO:0014661, OMIM 616487.
Epidermolysis bullosa simplex 5B, with muscular dystrophy (EBS5B). Also called: EPIDERMOLYSIS BULLOSA SIMPLEX AND LIMB-GIRDLE MUSCULAR DYSTROPHY; Epidermolysis bullosa simplex with muscular dystrophy. Identifiers: Orphanet 257, MedGen C2931072, MONDO:0009181, OMIM 226670.

Allele frequency attached by ClinVar (database versions not stated): 1000 Genomes Project 0.00040; 1000 Genomes Project 30x 0.00047; TOPMed 0.00112; gnomAD 0.00118; ESP Exome Variant Server 0.00151; ExAC 0.00154.
gnomAD v4.1: 2,484 of 1,612,462 alleles (0.15%); highest among the groups gnomAD compares: Middle Eastern, 0.53%; 5 homozygotes.

Submissions (7):

Labcorp Genetics (formerly Invitae), Labcorp
Classification: Likely benign for Autosomal recessive limb-girdle muscular dystrophy type 2Q; Epidermolysis bullosa simplex, Ogna type; Epidermolysis bullosa simplex with nail dystrophy; Epidermolysis bullosa simplex 5C, with pyloric atresia; Epidermolysis bullosa simplex 5B, with muscular dystrophy. Last evaluated: 2026-02-01. Review status: criteria provided, single submitter. Criteria: Invitae Variant Classification Sherloc (09022015). Collection method: clinical testing. Allele origin: germline.

CeGaT Center for Human Genetics Tuebingen
Classification: Likely benign. Last evaluated: 2026-01-01. Review status: criteria provided, single submitter. Criteria: CeGaT Center For Human Genetics Tuebingen Variant Classification Criteria Version 2. Collection method: clinical testing. Allele origin: germline. Affected: yes. Observed: 6 variant alleles.
Comment: PLEC: BP4, BP7

Blueprint Genetics
Classification: Likely benign. Last evaluated: 2024-11-26. Review status: criteria provided, single submitter. Criteria: ACMG Guidelines, 2015. Collection method: clinical testing. Allele origin: germline.

GeneDx
Classification: Likely benign. Last evaluated: 2021-01-11. Review status: criteria provided, single submitter. Criteria: GeneDx Variant Classification Process June 2021. Collection method: clinical testing. Allele origin: germline. Affected: yes.

Athena Diagnostics
Classification: Benign. Last evaluated: 2019-12-31. Review status: criteria provided, single submitter. Criteria: Athena Diagnostics Criteria. Collection method: clinical testing. Allele origin: unknown.

Genetic Services Laboratory, University of Chicago
Classification: Likely benign. Last evaluated: 2016-11-22. Review status: criteria provided, single submitter. Criteria: ACMG Guidelines, 2015. Collection method: clinical testing. Allele origin: germline. Affected: no.

Eurofins Ntd Llc (ga)
Classification: Likely benign. Last evaluated: 2015-10-15. Review status: criteria provided, single submitter. Criteria: EGL Classification Definitions 2015. Collection method: clinical testing. Allele origin: germline. Observed: 1 variant allele, 1 heterozygote.

NM_201384.3(PLEC):c.3885G>A (p.Pro1295=)

Gene: PLEC (plectin; minus strand). Cytogenetic location: 8q24.3.
Variant type: single nucleotide variant.
Coding change: c.3885G>A on transcript NM_201384.3 (MANE Select); coding-DNA position 3885, G replaced by A.
Protein change: p.Pro1295=; no amino-acid change (proline 1295 retained).
Molecular consequence: synonymous variant.
Genome position (GRCh38, 1-based): chr8:143,927,037, C>T on the plus strand (G>A on the coding strand, the complement: PLEC is on the minus strand). VCF-style: chr8-143927037-C-T. GRCh37 (hg19) VCF-style: chr8-145001205-C-T.
Other names: c.3966G>A, p.Pro1322= (NM_000445.5); c.3843G>A, p.Pro1281= (NM_201378.4); c.3819G>A, p.Pro1273= (NM_201379.3); c.4296G>A, p.Pro1432= (NM_201380.4); c.3789G>A, p.Pro1263= (NM_201381.3); c.3885G>A, p.Pro1295= (NM_201382.4); c.3897G>A, p.Pro1299= (NM_201383.3).
Identifiers: ClinVar variation 196611 (VCV000196611.68), dbSNP rs148465219, ClinGen allele CA243623.